The following is an entry in ClinVar:

ClinVar aggregate classification (germline): Pathogenic (1 of 4 stars; one submission).

Conditions:
Tuberous sclerosis 1 (TSC1). Identifiers: Orphanet 805, MedGen C1854465, MONDO:0008612, OMIM 191100.

Submission:

Victorian Clinical Genetics Services, Murdoch Childrens Research Institute
Classification: Pathogenic for Tuberous sclerosis 1. Last evaluated: 2021-05-06. Review status: criteria provided, single submitter. Criteria: ACMG Guidelines, 2015. Collection method: clinical testing. Allele origin: germline. Inheritance: Autosomal dominant inheritance.
Comment: Based on the classification scheme VCGS_Germline_v1.3.4, this variant is classified as Pathogenic. Following criteria are met: 0102 - Loss of function is a known mechanism of disease in this gene and is associated with tuberous sclerosis-1 (MIM#191100). (I) 0107 - This gene is associated with autosomal dominant disease. (I) 0201 - Variant is predicted to cause nonsense-mediated decay (NMD) and loss of protein (premature termination codon is located at least 54 nucleotides upstream of the final exon-exon junction). (SP) 0251 - This variant is heterozygous. (I) 0301 - Variant is absent from gnomAD (both v2 and v3). (SP) 0701 - Other NMD-predicted variants comparable to the one identified in this case have very strong previous evidence for pathogenicity. These variants have been reported many times as pathogenic, and observed in patients with tuberous sclerosis complex (Decipher, PMID: 31855466). (SP) 0807 - This variant has no previous evidence of pathogenicity. (I) 0905 - No published segregation evidence has been identified for this variant. (I) 1007 - No published functional evidence has been identified for this variant. (I) 1102 - Strong phenotype match for this individual. (SP) 1208 - Inheritance information for this variant is not currently available in this individual. (I) Legend: (SP) - Supporting pathogenic, (I) - Information, (SB) - Supporting benign

Literature cited by the submitters: PubMed 31855466.

NM_000368.5(TSC1):c.2096del (p.His699fs)

Gene: TSC1 (TSC complex subunit 1; minus strand). Cytogenetic location: 9q34.13.
Variant type: Deletion.
Coding change: c.2096del on transcript NM_000368.5 (MANE Select); coding-DNA position 2096, one base deleted (A; older notation c.2096delA).
Protein change: p.His699fs; shifts the reading frame from histidine 699.
Molecular consequence: frameshift variant.
Genome position (GRCh38, 1-based): chr9:132,903,763, T deleted on the plus strand (A on the coding strand, the reverse complement: TSC1 is on the minus strand). VCF-style (leftmost placement, unchanged base first): chr9-132903762-GT-G. GRCh37 (hg19) VCF-style: chr9-135779149-GT-G.
Other names: c.2093del, p.His698fs (NM_001162426.2); c.1943del, p.His648fs (NM_001162427.2); c.1733del, p.His578fs (NM_001362177.2); c.2096delA, p.His699Profs (NM_001406592.1, NM_001406593.1, NM_001406594.1 and 5 more transcripts); c.2093delA, p.His698Profs (NM_001406597.1, NM_001406598.1, NM_001406599.1 and 3 more transcripts); c.2081delA, p.His694Profs (NM_001406601.1, NM_001406602.1); c.2078delA, p.His693Profs (NM_001406603.1, NM_001406604.1); c.1943delA, p.His648Profs (NM_001406610.1); and 6 more; short protein forms H578fs, H648fs, H698fs, H699fs.
Identifiers: ClinVar variation 1806218 (VCV001806218.1), dbSNP rs2538656659, ClinGen allele CA1139771282.